The following is an entry in ClinVar:

ClinVar aggregate classification (germline): Pathogenic. Review status: criteria provided, multiple submitters, no conflicts (2 of 4 stars). 2 submissions from 2 submitters: Pathogenic (2). Last evaluated 2022-11-29.

Conditions:
Duchenne muscular dystrophy (DMD). Also called: MUSCULAR DYSTROPHY, PSEUDOHYPERTROPHIC PROGRESSIVE, DUCHENNE TYPE; Duchenne Muscular Dystrophy (DMD). Identifiers: Orphanet 98896, MedGen C0013264, MONDO:0010679, OMIM 310200.

Submissions (2):

Revvity Omics, Revvity
Classification: Pathogenic. Last evaluated: 2022-11-29. Review status: criteria provided, single submitter. Criteria: ACMG Guidelines, 2015. Collection method: clinical testing. Allele origin: germline.

Labcorp Genetics (formerly Invitae), Labcorp
Classification: Pathogenic for Duchenne muscular dystrophy. Last evaluated: 2020-01-19. Review status: criteria provided, single submitter. Criteria: Invitae Variant Classification Sherloc (09022015). Collection method: clinical testing. Allele origin: germline.
Comment: This sequence change creates a premature translational stop signal (p.Gln2972Serfs*18) in the DMD gene. It is expected to result in an absent or disrupted protein product. This variant is not present in population databases (ExAC no frequency). This variant has been reported in individual(s) in the Leiden Open-source Variation Database (PMID: 21520333). Loss-of-function variants in DMD are known to be pathogenic (PMID: 16770791, 25007885). For these reasons, this variant has been classified as Pathogenic.

Literature cited by the submitters: PubMed 21520333 (cited by Labcorp Genetics (formerly Invitae), Labcorp); PubMed 16770791 (cited by Labcorp Genetics (formerly Invitae), Labcorp); PubMed 25007885 (cited by Labcorp Genetics (formerly Invitae), Labcorp).

NM_004006.3(DMD):c.8912_8913dup (p.Gln2972fs)

Gene: DMD (dystrophin; minus strand). Cytogenetic location: Xp21.2.
Variant type: Microsatellite.
Coding change: c.8912_8913dup on transcript NM_004006.3 (MANE Select); coding-DNA positions 8912 to 8913, 2 bases duplicated (TC; older notation c.8912_8913dupTC).
Protein change: p.Gln2972fs; shifts the reading frame from glutamine 2972.
Molecular consequence: frameshift variant.
Genome position (GRCh38, 1-based): chrX:31,478,130-31,478,131, GA duplicated on the plus strand (TC on the coding strand, the reverse complement: DMD is on the minus strand); duplicating any 2 consecutive bases within chrX:31,478,130-31,478,136 gives the same sequence; the c. name uses the placement nearest the transcript's 3' end. VCF-style (leftmost placement, unchanged base first): chrX-31478129-G-GGA. GRCh37 (hg19) VCF-style: chrX-31496246-G-GGA.
Other names: c.8888_8889dup, p.Gln2964fs (NM_000109.4); c.8900_8901dup, p.Gln2968fs (NM_004009.3); c.8543_8544dup, p.Gln2849fs (NM_004010.3); c.4889_4890dup, p.Gln1631fs (NM_004011.4); c.4880_4881dup, p.Gln1628fs (NM_004012.4); c.1532_1533dup, p.Gln512fs (NM_004013.3, NM_004020.4, NM_004021.3 and 2 more transcripts); c.725_726dup, p.Gln243fs (NM_004014.3); short protein forms Q243fs, Q2964fs, Q2968fs, Q2972fs, Q1628fs, Q1631fs, Q512fs, Q2849fs.
Identifiers: ClinVar variation 961627 (VCV000961627.12), dbSNP rs398124078, ClinGen allele CA2422446045.